The following is an entry in ClinVar:

NM_033131.4(WNT3A):c.517C>T (p.Arg173Trp)

Gene: WNT3A (Wnt family member 3A; plus strand). Cytogenetic location: 1q42.13.
Variant type: single nucleotide variant.
Coding change: c.517C>T on transcript NM_033131.4 (MANE Select); coding-DNA position 517, C replaced by T.
Protein change: p.Arg173Trp; replaces arginine 173 with tryptophan.
Molecular consequence: missense variant.
Genome position (GRCh38, 1-based): chr1:228,050,859, C>T. VCF-style: chr1-228050859-C-T. GRCh37 (hg19) VCF-style: chr1-228238560-C-T.
Other names: short protein forms R173W.
Identifiers: ClinVar variation 2176738 (VCV002176738.4), dbSNP rs767429545, ClinGen allele CA1429474.

ClinVar aggregate classification (germline): Uncertain significance (1 of 4 stars; one submission).

Allele frequency attached by ClinVar (database versions not stated): TOPMed 0.00004; gnomAD 0.00006; ExAC 0.00010.
gnomAD v4.1: 201 of 1,591,250 alleles (0.013%); highest among the groups gnomAD compares: East Asian, 0.38%; no homozygotes.

Submission:

Labcorp Genetics (formerly Invitae), Labcorp
Classification: Uncertain significance. Last evaluated: 2025-10-21. Review status: criteria provided, single submitter. Criteria: Invitae Variant Classification Sherloc (09022015). Collection method: clinical testing. Allele origin: germline.
Comment: This sequence change replaces arginine, which is basic and polar, with tryptophan, which is neutral and slightly polar, at codon 173 of the WNT3A protein (p.Arg173Trp). This variant is present in population databases (rs767429545, gnomAD 0.09%), and has an allele count higher than expected for a pathogenic variant. This variant has not been reported in the literature in individuals affected with WNT3A-related conditions. ClinVar contains an entry for this variant (Variation ID: 2176738). Invitae Evidence Modeling of protein sequence and biophysical properties (such as structural, functional, and spatial information, amino acid conservation, physicochemical variation, residue mobility, and thermodynamic stability) indicates that this missense variant is not expected to disrupt WNT3A protein function with a negative predictive value of 80%. In summary, the available evidence is currently insufficient to determine the role of this variant in disease. Therefore, it has been classified as a Variant of Uncertain Significance.